The following is an entry in ClinVar:

NC_000003.12:g.(?_10146504)_(10146646_?)del

Genes: VHL (von Hippel-Lindau tumor suppressor; plus strand), LOC107303340 (3p25 von Hippel-Lindau tumor suppressor, E3 ubiquitin protein ligase Alu-mediated recombination region; plus strand). Cytogenetic location: 3p25.3.
Variant type: Deletion.
Identifiers: ClinVar variation 660147 (VCV000660147.3).

ClinVar aggregate classification (germline): Pathogenic (1 of 4 stars; one submission).

Conditions:
Von Hippel-Lindau syndrome (VHLS). Also called: Von Hippel-Lindau; VHL syndrome; von Hippel–Lindau syndrome. Identifiers: Orphanet 892, MedGen C0019562, MONDO:0008667, OMIM 193300. Disease mechanism: loss of function.
Chuvash polycythemia. Also called: POLYCYTHEMIA, VHL-DEPENDENT. Identifiers: Orphanet 238557, MedGen C1837915, MONDO:0009892, OMIM 263400.

Submission:

Labcorp Genetics (formerly Invitae), Labcorp
Classification: Pathogenic for Von Hippel-Lindau syndrome; Chuvash polycythemia. Last evaluated: 2022-09-03. Review status: criteria provided, single submitter. Criteria: Invitae Variant Classification Sherloc (09022015). Collection method: clinical testing. Allele origin: germline.
Comment: This variant is a gross deletion of the genomic region encompassing exon(s) 2 of the VHL gene. This variant would be expected to be in-frame, preserving the integrity of the reading frame. A similar copy number variant has been observed in individual(s) with von Hippel-Lindau disease (PMID: 12114495, 16884328, 19280651, 19764026). Algorithms developed to predict the effect of variants on protein structure and function are not available or were not evaluated for this variant. Experimental studies have shown that a similar copy number variant affects VHL function (PMID: 11024059). The region of the VHL gene that includes exon(s) 2 has been determined to be clinically significant (PMID: 12114495, 16884328, 19280651, 19764026). Therefore, deletions that encompass that region are likely to be disease-causing. For these reasons, this variant has been classified as Pathogenic.

Literature cited by the submitters: PubMed 12114495; PubMed 16884328; PubMed 19280651; PubMed 19764026; PubMed 11024059.